The following is an entry in ClinVar:

ClinVar aggregate classification (germline): Uncertain significance. Review status: criteria provided, multiple submitters, no conflicts (2 of 4 stars). 2 submissions from 2 submitters: Uncertain significance (2). Last evaluated 2025-10-21.

Conditions:
Arrhythmogenic right ventricular dysplasia 11. Also called: Arrhythmogenic Right Ventricular Dysplasia/Cardiomyopathy11; ARRHYTHMOGENIC RIGHT VENTRICULAR DYSPLASIA, FAMILIAL, 11; Arrhythmogenic right ventricular dysplasia 11 with mild palmoplantar keratoderma and woolly hair. Identifiers: MedGen C1864850, MONDO:0012506, OMIM 610476.
Familial isolated arrhythmogenic right ventricular dysplasia. Identifiers: Orphanet 217656, MedGen C4274968, MONDO:0016342.

Submissions (2):

Labcorp Genetics (formerly Invitae), Labcorp
Classification: Uncertain significance for Arrhythmogenic right ventricular dysplasia 11. Last evaluated: 2025-10-21. Review status: criteria provided, single submitter. Criteria: Invitae Variant Classification Sherloc (09022015). Collection method: clinical testing. Allele origin: germline.
Comment: This sequence change replaces serine, which is neutral and polar, with asparagine, which is neutral and polar, at codon 532 of the DSC2 protein (p.Ser532Asn). This variant is not present in population databases (gnomAD no frequency). This variant has not been reported in the literature in individuals affected with DSC2-related conditions. ClinVar contains an entry for this variant (Variation ID: 1024221). Invitae Evidence Modeling of protein sequence and biophysical properties (such as structural, functional, and spatial information, amino acid conservation, physicochemical variation, residue mobility, and thermodynamic stability) indicates that this missense variant is not expected to disrupt DSC2 protein function with a negative predictive value of 80%. In summary, the available evidence is currently insufficient to determine the role of this variant in disease. Therefore, it has been classified as a Variant of Uncertain Significance.

All of Us Research Program, National Institutes of Health
Classification: Uncertain significance for Familial isolated arrhythmogenic right ventricular dysplasia. Last evaluated: 2023-09-17. Review status: criteria provided, single submitter. Criteria: ACMG Guidelines, 2015. Collection method: clinical testing. Allele origin: germline. Inheritance: Autosomal dominant inheritance. Observed: 1 variant allele, 1 heterozygote.
Comment: This missense variant replaces serine with asparagine at codon 532 of the DSC2 protein. Computational prediction suggests that this variant may not impact protein structure and function (internally defined REVEL score threshold <= 0.5, PMID: 27666373). To our knowledge, functional studies have not been reported for this variant. This variant has not been reported in individuals affected with cardiovascular disorders in the literature. This variant has not been identified in the general population by the Genome Aggregation Database (gnomAD). The available evidence is insufficient to determine the role of this variant in disease conclusively. Therefore, this variant is classified as a Variant of Uncertain Significance.

This study involves interpretation of variants in research participants for the purpose of population health screening. Participant phenotype was not available at the time of variant classification. Additional details can be found in publication PMID: 35346344, PMCID: PMC8962531

NM_024422.6(DSC2):c.1595G>A (p.Ser532Asn)

Gene: DSC2 (desmocollin 2; minus strand). Cytogenetic location: 18q12.1.
Variant type: single nucleotide variant.
Coding change: c.1595G>A on transcript NM_024422.6 (MANE Select); coding-DNA position 1595, G replaced by A.
Protein change: p.Ser532Asn; replaces serine 532 with asparagine.
Molecular consequence: missense variant.
Genome position (GRCh38, 1-based): chr18:31,079,915, C>T on the plus strand (G>A on the coding strand, the complement: DSC2 is on the minus strand). VCF-style: chr18-31079915-C-T. GRCh37 (hg19) VCF-style: chr18-28659881-C-T.
Other names: c.1595G>A, p.Ser532Asn (NM_004949.5); short protein forms S532N.
Identifiers: ClinVar variation 1024221 (VCV001024221.10), dbSNP rs1987150000, ClinGen allele CA402107981.